The following is an entry in ClinVar:

NM_000500.9(CYP21A2):c.397C>T (p.Arg133Cys)

Genes: CYP21A2 (cytochrome P450 family 21 subfamily A member 2; plus strand), LOC106780800 (CYP21A2 recombination region; plus strand). Cytogenetic location: 6p21.33.
Variant type: single nucleotide variant.
Coding change: c.397C>T on transcript NM_000500.9 (MANE Select); coding-DNA position 397, C replaced by T.
Protein change: p.Arg133Cys; replaces arginine 133 with cysteine.
Molecular consequence: missense variant. On other transcripts: 5 prime UTR variant (2).
Genome position (GRCh38, 1-based): chr6:32,039,198, C>T. VCF-style: chr6-32039198-C-T. GRCh37 (hg19) VCF-style: chr6-32006975-C-T.
Other names: c.307C>T, p.Arg103Cys (NM_001128590.4); c.-9C>T (NM_001368143.2, NM_001368144.2); short protein forms R103C, R133C.
Identifiers: ClinVar variation 1807426 (VCV001807426.2), dbSNP rs770379536, ClinGen allele CA3732378.

ClinVar aggregate classification (germline): Likely pathogenic (1 of 4 stars; one submission).

Allele frequency attached by ClinVar (database versions not stated): gnomAD 0.00001; TOPMed 0.00002; ExAC 0.00007; gnomAD exomes 0.00007.

Submission:

Athena Diagnostics
Classification: Likely pathogenic. Last evaluated: 2022-11-18. Review status: criteria provided, single submitter. Criteria: Athena Diagnostics Criteria. Collection method: clinical testing. Allele origin: unknown.
Comment: Frequency data for this variant in the general population cannot be distinguished from that of the CYP21P pseudogene, and are therefore uninformative in assessment of variant pathogenicity. This variant has been identified in at least one individual with nonclassic adrenal hyperplasia (NC-CAH). In some published literature, this variant is referred to as p.R132C. Assessment of experimental evidence suggests this variant results in abnormal protein function. See PMID: 24667412.

Literature cited by the submitters: PubMed 23359706; PubMed 23074682; PubMed 24667412; PubMed 27966633; PubMed 21264314; PubMed 32616876; PubMed 31006099; PubMed 32289882.